The following is an entry in ClinVar:

NM_001039141.3(TRIOBP):c.6571C>T (p.His2191Tyr)

Gene: TRIOBP (TRIO and F-actin binding protein; plus strand). Cytogenetic location: 22q13.1.
Variant type: single nucleotide variant.
Coding change: c.6571C>T on transcript NM_001039141.3 (MANE Select); coding-DNA position 6571, C replaced by T.
Protein change: p.His2191Tyr; replaces histidine 2191 with tyrosine.
Molecular consequence: missense variant.
Genome position (GRCh38, 1-based): chr22:37,768,172, C>T. VCF-style: chr22-37768172-C-T. GRCh37 (hg19) VCF-style: chr22-38164179-C-T.
Other names: c.1432C>T, p.His478Tyr (NM_007032.5); short protein forms H2191Y, H478Y.
Identifiers: ClinVar variation 227127 (VCV000227127.17), dbSNP rs61729063, ClinGen allele CA10225094.
Genomic context (GRCh38, chr22:37,768,172, plus strand): 5'-AGCCGAGAGCTGAGCAAAACACGGAGTCTCCAGCAGGGCCCGGATGGCCTCCGGAAGCAG[C>T]ACCAGTAAGATGATGCCGGGGCCCAACTGCCCACCCTGATGGTTATGGGTTGAGGAACTT-3'
Protein context (NP_001034230.1, residues 2181-2201): QQGPDGLRKQ[His2191Tyr]QSDVEALKRE

ClinVar aggregate classification (germline): Benign/Likely benign. Review status: criteria provided, multiple submitters, no conflicts (2 of 4 stars). 5 submissions from 5 submitters: Benign (4); Likely benign (1). Last evaluated 2026-01-25.

Allele frequency attached by ClinVar (database versions not stated): 1000 Genomes Project 30x 0.00406; 1000 Genomes Project 0.00459; ESP Exome Variant Server 0.00544; gnomAD 0.00582 and 0.00635; TOPMed 0.00639; gnomAD exomes 0.00055 and 0.00128; ExAC 0.00201.
gnomAD v4.1: 1,745 of 1,611,352 alleles (0.11%); highest among the groups gnomAD compares: African/African-American, 1.9%; 15 homozygotes.

Submissions (5):

Labcorp Genetics (formerly Invitae), Labcorp
Classification: Benign. Last evaluated: 2026-01-25. Review status: criteria provided, single submitter. Criteria: Invitae Variant Classification Sherloc (09022015). Collection method: clinical testing. Allele origin: germline.

Blueprint Genetics
Classification: Likely benign. Last evaluated: 2024-10-18. Review status: criteria provided, single submitter. Criteria: ACMG Guidelines, 2015. Collection method: clinical testing. Allele origin: germline.

GeneDx
Classification: Benign. Last evaluated: 2019-02-26. Review status: criteria provided, single submitter. Criteria: GeneDx Variant Classification Process June 2021. Collection method: clinical testing. Allele origin: germline. Affected: yes.

Laboratory for Molecular Medicine, Mass General Brigham Personalized Medicine
Classification: Benign. Last evaluated: 2012-04-30. Review status: criteria provided, single submitter. Criteria: LMM Criteria. Collection method: clinical testing. Allele origin: germline. Observed: 5 variant alleles.
Comment: His2191Tyr in Exon 19 of TRIOBP: This variant is not expected to have clinical s ignificance because it has been identified in 1.7% (57/3300) of African American chromosomes from a broad population by the NHLBI Exome Sequencing Project (dbSNP rs61729063).

PreventionGenetics, part of Exact Sciences
Classification: Benign. Review status: criteria provided, single submitter. Criteria: ACMG Guidelines, 2015. Collection method: clinical testing. Allele origin: germline.